The following is an entry in ClinVar:

ClinVar aggregate classification (germline): Conflicting classifications of pathogenicity. Review status: criteria provided, conflicting classifications (1 of 4 stars). 2 submissions from 2 submitters: Likely pathogenic (1); Uncertain significance (1). Last evaluated 2024-07-05.

Submissions (2):

GeneDx
Classification: Likely pathogenic. Last evaluated: 2024-07-05. Review status: criteria provided, single submitter. Criteria: GeneDx Variant Classification Process June 2021. Collection method: clinical testing. Allele origin: germline. Affected: yes.
Comment: Nonsense variant predicted to result in protein truncation, as the last 733 amino acids are lost, and other loss-of-function variants have been reported downstream in HGMD; Not observed at significant frequency in large population cohorts (gnomAD); Has not been previously reported as pathogenic or benign in association with IRF2BPL-related disorders to our knowledge; This variant is associated with the following publications: (PMID: 36475376)

Blueprint Genetics
Classification: Uncertain significance. Last evaluated: 2023-06-16. Review status: criteria provided, single submitter. Criteria: ACMG Guidelines, 2015. Collection method: clinical testing. Allele origin: germline.

NM_024496.4(IRF2BPL):c.72G>A (p.Trp24Ter)

Genes: IRF2BPL (interferon regulatory factor 2 binding protein like; minus strand), LOC107984638 (uncharacterized LOC107984638; plus strand). Cytogenetic location: 14q24.3.
Variant type: single nucleotide variant.
Coding change: c.72G>A on transcript NM_024496.4 (MANE Select); coding-DNA position 72, G replaced by A.
Protein change: p.Trp24Ter; replaces tryptophan 24 with a stop codon.
Molecular consequence: nonsense. On other transcripts: non-coding transcript variant (3).
Genome position (GRCh38, 1-based): chr14:77,027,721, C>T on the plus strand (G>A on the coding strand, the complement: IRF2BPL is on the minus strand). VCF-style: chr14-77027721-C-T. GRCh37 (hg19) VCF-style: chr14-77494064-C-T.
Other names: short protein forms W24*.
Identifiers: ClinVar variation 3393699 (VCV003393699.2).